The following is an entry in ClinVar:

ClinVar aggregate classification (germline): Uncertain significance. Review status: criteria provided, multiple submitters, no conflicts (2 of 4 stars). 6 submissions from 6 submitters: Uncertain significance (4). 2 of the submissions do not count toward it. Last evaluated 2024-04-13.

Conditions:
Joubert syndrome 5 (JBTS5). Identifiers: Orphanet 2318, MedGen C1857780, MONDO:0012432, OMIM 610188.
Leber congenital amaurosis 10 (LCA10). Identifiers: Orphanet 65, MedGen C1857821, MONDO:0012723, OMIM 611755.
Bardet-Biedl syndrome 14 (BBS14). Identifiers: Orphanet 110, MedGen C2673874, MONDO:0014442, OMIM 615991.
Senior-Loken syndrome 6 (SLSN6). Identifiers: Orphanet 3156, MedGen C1857779, MONDO:0012433, OMIM 610189.
Meckel syndrome, type 4 (MKS4). Also called: MECKEL-GRUBER SYNDROME, TYPE 4. Identifiers: Orphanet 564, MedGen C1970161, MONDO:0012626, OMIM 611134.
CEP290-related disorder. Also called: CEP290-related disorders; CEP290-related condition. Identifiers: MedGen CN239314.
Leber congenital amaurosis (LCA). Also called: Leber's amaurosis. Identifiers: Orphanet 65, MedGen C0339527, MeSH D057130, MONDO:0018998.
Meckel-Gruber syndrome. Also called: Dysencephalia splachnocystica; DYSENCEPHALIA SPLANCHNOCYSTICA; GRUBER SYNDROME. Identifiers: Orphanet 564, MedGen C0265215, MONDO:0018921.
Joubert syndrome. Also called: Familial aplasia of the vermis; JOUBERT-BOLTSHAUSER SYNDROME. Identifiers: Orphanet 475, MedGen C5979921, MONDO:0018772.
Nephronophthisis. Also called: Juvenile Nephronophthisis. Identifiers: Orphanet 655, MedGen C0687120, MONDO:0019005, HP:0000090.

Allele frequency attached by ClinVar (database versions not stated): ESP Exome Variant Server 0.00008; TOPMed 0.00014.
gnomAD v4.1: 45 of 1,612,506 alleles (0.0028%); highest among the groups gnomAD compares: African/African-American, 0.06%; no homozygotes.

Submissions (6):

Fulgent Genetics
Classification: Uncertain significance for Joubert syndrome 5; Senior-Loken syndrome 6; Meckel syndrome, type 4; Leber congenital amaurosis 10; Bardet-Biedl syndrome 14. Last evaluated: 2024-04-13. Review status: criteria provided, single submitter. Criteria: ACMG Guidelines, 2015. Collection method: clinical testing. Allele origin: germline.

Blueprint Genetics
Classification: Uncertain significance. Last evaluated: 2022-11-23. Review status: criteria provided, single submitter. Criteria: ACMG Guidelines, 2015. Collection method: clinical testing. Allele origin: germline.

GeneDx
Classification: Uncertain significance. Last evaluated: 2022-09-15. Review status: criteria provided, single submitter. Criteria: GeneDx Variant Classification Process June 2021. Collection method: clinical testing. Allele origin: germline. Affected: yes.
Comment: In silico analysis supports that this missense variant has a deleterious effect on protein structure/function; This variant is associated with the following publications: (PMID: 33616283)

Labcorp Genetics (formerly Invitae), Labcorp
Classification: Uncertain significance for Joubert syndrome; Meckel-Gruber syndrome; Nephronophthisis. Last evaluated: 2022-08-15. Review status: criteria provided, single submitter. Criteria: Invitae Variant Classification Sherloc (09022015). Collection method: clinical testing. Allele origin: germline.
Comment: This sequence change replaces arginine, which is basic and polar, with glycine, which is neutral and non-polar, at codon 1084 of the CEP290 protein (p.Arg1084Gly). This variant is present in population databases (rs372918770, gnomAD 0.07%). This variant has not been reported in the literature in individuals affected with CEP290-related conditions. ClinVar contains an entry for this variant (Variation ID: 421850). Algorithms developed to predict the effect of missense changes on protein structure and function are either unavailable or do not agree on the potential impact of this missense change (SIFT: "Deleterious"; PolyPhen-2: "Possibly Damaging"; Align-GVGD: "Class C0"). Algorithms developed to predict the effect of sequence changes on RNA splicing suggest that this variant may disrupt the consensus splice site. In summary, the available evidence is currently insufficient to determine the role of this variant in disease. Therefore, it has been classified as a Variant of Uncertain Significance.

PreventionGenetics, part of Exact Sciences
Classification: Uncertain significance for CEP290-related condition. Last evaluated: 2024-05-13. Review status: no assertion criteria provided. Collection method: clinical testing. Allele origin: germline. Not counted in ClinVar's aggregate classification.
Comment: The CEP290 c.3250C>G variant is predicted to result in the amino acid substitution p.Arg1084Gly. To our knowledge, this variant has not been reported in the literature. This variant is reported in 0.058% of alleles in individuals of African descent in gnomAD. Although we suspect this variant may be benign, at this time, the clinical significance of this variant is uncertain due to the absence of conclusive functional and genetic evidence.

Natera, Inc.
Classification: Uncertain significance for Leber congenital amaurosis. Last evaluated: 2019-10-28. Review status: no assertion criteria provided. Collection method: clinical testing. Allele origin: germline. Not counted in ClinVar's aggregate classification.

NM_025114.4(CEP290):c.3250C>G (p.Arg1084Gly)

Gene: CEP290 (centrosomal protein 290; minus strand). Cytogenetic location: 12q21.32.
Variant type: single nucleotide variant.
Coding change: c.3250C>G on transcript NM_025114.4 (MANE Select); coding-DNA position 3250, C replaced by G.
Protein change: p.Arg1084Gly; replaces arginine 1084 with glycine.
Molecular consequence: missense variant.
Genome position (GRCh38, 1-based): chr12:88,093,829, G>C on the plus strand (C>G on the coding strand, the complement: CEP290 is on the minus strand). VCF-style: chr12-88093829-G-C. GRCh37 (hg19) VCF-style: chr12-88487606-G-C.
Other names: short protein forms R1084G.
Identifiers: ClinVar variation 421850 (VCV000421850.17), dbSNP rs372918770, ClinGen allele CA6712187.